The following is an entry in ClinVar:

NM_018979.4(WNK1):c.7110del (p.Ile2371fs)

Gene: WNK1 (WNK lysine deficient protein kinase 1; plus strand). Cytogenetic location: 12p13.33.
Variant type: Deletion.
Coding change: c.7110del on transcript NM_018979.4 (MANE Select); coding-DNA position 7110, one base deleted (C; older notation c.7110delC).
Protein change: p.Ile2371fs; shifts the reading frame from isoleucine 2371.
Molecular consequence: frameshift variant.
Genome position (GRCh38, 1-based): chr12:908,753, C deleted; the last of 2 consecutive C bases (chr12:908,752-908,753); deleting either gives the same sequence. VCF-style (leftmost placement, unchanged base first): chr12-908751-TC-T. GRCh37 (hg19) VCF-style: chr12-1017917-TC-T.
Other names: c.7890del, p.Ile2631fs (NM_001184985.2); c.6366del, p.Ile2123fs (NM_014823.3); c.7866del, p.Ile2623fs (NM_213655.5); short protein forms I2623fs, I2123fs, I2371fs, I2631fs.
Identifiers: ClinVar variation 2029933 (VCV002029933.4), dbSNP rs2498113708, ClinGen allele CA2580086218.

ClinVar aggregate classification (germline): Uncertain significance (1 of 4 stars; one submission).

Conditions:
Neuropathy, hereditary sensory and autonomic, type 2A (HSAN2A). Also called: ACROOSTEOLYSIS, GIACCAI TYPE; ACROOSTEOLYSIS, NEUROGENIC; MORVAN DISEASE; NEUROPATHY, CONGENITAL SENSORY; NEUROPATHY, HEREDITARY SENSORY RADICULAR, AUTOSOMAL RECESSIVE; NEUROPATHY, HEREDITARY SENSORY, TYPE IIA. Identifiers: Orphanet 970, MedGen C2752089, MONDO:0024309, OMIM 201300.
Pseudohypoaldosteronism type 2C (PHA2C). Also called: Pseudohypoaldosteronism Type IIC. Identifiers: Orphanet 757, Orphanet 88940, MedGen C1840391, MONDO:0013778, OMIM 614492.

Submission:

Labcorp Genetics (formerly Invitae), Labcorp
Classification: Uncertain significance for Neuropathy, hereditary sensory and autonomic, type 2A; Pseudohypoaldosteronism type 2C. Last evaluated: 2025-10-23. Review status: criteria provided, single submitter. Criteria: Invitae Variant Classification Sherloc (09022015). Collection method: clinical testing. Allele origin: germline.
Comment: This sequence change is expected to alter the c-terminus of the WNK1 protein (p.Ile2623Serfs*19). However, it is currently unclear if variants that occur in this region of the gene cause disease. This variant is not present in population databases (gnomAD no frequency). This variant has not been reported in the literature in individuals affected with WNK1-related conditions. ClinVar contains an entry for this variant (Variation ID: 2029933). Experimental studies and prediction algorithms are not available or were not evaluated, and the functional significance of this variant is currently unknown. In summary, the available evidence is currently insufficient to determine the role of this variant in disease. Therefore, it has been classified as a Variant of Uncertain Significance.